The following is an entry in ClinVar:

ClinVar aggregate classification (germline): Uncertain significance (0 of 4 stars; one submission).

Conditions:
Prostate cancer. Also called: Malignant tumor of prostate. Identifiers: Orphanet 1331, MedGen C0376358, MONDO:0008315, HP:0012125.

Submission:

Science for Life laboratory,  Karolinska Institutet
Classification: Uncertain significance for Malignant tumor of prostate. Review status: no assertion criteria provided. Collection method: not provided. Allele origin: somatic.
Comment: TumorID:SWE-15
ClinVar note: Converted during submission from Unknown to Uncertain significance.

NM_006412.4(AGPAT2):c.248del (p.Pro83fs)

Gene: AGPAT2 (1-acylglycerol-3-phosphate O-acyltransferase 2; minus strand). Cytogenetic location: 9q34.3.
Variant type: Deletion.
Coding change: c.248del on transcript NM_006412.4 (MANE Select); coding-DNA position 248, one base deleted (C; older notation c.248delC).
Protein change: p.Pro83fs; shifts the reading frame from proline 83.
Molecular consequence: frameshift variant.
Genome position (GRCh38, 1-based): chr9:136,677,491, G deleted on the plus strand (C on the coding strand, the reverse complement: AGPAT2 is on the minus strand); the first of 3 consecutive G bases (chr9:136,677,491-136,677,493); deleting any one gives the same sequence. VCF-style (leftmost placement, unchanged base first): chr9-136677490-CG-C. GRCh37 (hg19) VCF-style: chr9-139571942-CG-C.
Other names: c.248del, p.Pro83fs (NM_001012727.2); short protein forms P83fs.
Identifiers: ClinVar variation 161646 (VCV000161646.2), dbSNP rs193920848, ClinGen allele CA174522.